The following is an entry in ClinVar:

NM_006231.4(POLE):c.6141G>T (p.Met2047Ile)

Gene: POLE (DNA polymerase epsilon, catalytic subunit; minus strand). Cytogenetic location: 12q24.33.
Variant type: single nucleotide variant.
Coding change: c.6141G>T on transcript NM_006231.4 (MANE Select); coding-DNA position 6141, G replaced by T.
Protein change: p.Met2047Ile; replaces methionine 2047 with isoleucine.
Molecular consequence: missense variant.
Genome position (GRCh38, 1-based): chr12:132,632,504, C>A on the plus strand (G>T on the coding strand, the complement: POLE is on the minus strand). VCF-style: chr12-132632504-C-A. GRCh37 (hg19) VCF-style: chr12-133209090-C-A.
Other names: short protein forms M2047I.
Identifiers: ClinVar variation 5027050 (VCV005027050.1).

ClinVar aggregate classification (germline): Uncertain significance (1 of 4 stars; one submission).

Conditions:
Hereditary cancer-predisposing syndrome. Also called: Neoplastic Syndromes, Hereditary; Tumor predisposition; Hereditary neoplastic syndrome; Hereditary Cancer Syndrome. Identifiers: Orphanet 140162, MedGen C0027672, MeSH D009386, MONDO:0015356.

Submission:

Ambry Genetics
Classification: Uncertain significance for Hereditary cancer-predisposing syndrome. Last evaluated: 2026-07-06. Review status: criteria provided, single submitter. Criteria: Ambry Variant Classification Scheme 2023. Collection method: clinical testing. Allele origin: germline.
Comment: The p.M2047I variant (also known as c.6141G>T), located in coding exon 45 of the POLE gene, results from a G to T substitution at nucleotide position 6141. The methionine at codon 2047 is replaced by isoleucine, an amino acid with highly similar properties. This nucleotide position is well conserved in available vertebrate species. This amino acid position is highly conserved in available vertebrate species. In silico splice site analysis for this alteration is inconclusive. In addition, this alteration is predicted to be tolerated by in silico analysis. Based on the available evidence, the clinical significance of this variant remains unclear.